The following is an entry in ClinVar:

ClinVar aggregate classification (germline): Benign/Likely benign. Review status: criteria provided, multiple submitters, no conflicts (2 of 4 stars). 3 submissions from 3 submitters: Benign (1); Likely benign (1). 1 of the submissions does not count toward it. Last evaluated 2026-04-27.

Conditions:
KAT6A-related disorder. Also called: KAT6A-related condition.

Allele frequency attached by ClinVar (database versions not stated): TOPMed 0.00006; gnomAD 0.00008; 1000 Genomes Project 0.00020.
gnomAD v4.1: 140 of 1,548,088 alleles (0.009%); highest among the groups gnomAD compares: South Asian, 0.11%; 4 homozygotes.

Submissions (3):

Women's Health and Genetics/Laboratory Corporation of America, LabCorp
Classification: Likely benign. Last evaluated: 2026-04-27. Review status: criteria provided, single submitter. Criteria: LabCorp Variant Classification Summary - May 2015. Collection method: clinical testing. Allele origin: germline.
Comment: Variant summary: KAT6A c.4985C>T (p.Pro1662Leu) results in a non-conservative amino acid change in the encoded protein sequence. Algorithms developed to predict the effect of missense changes on protein structure and function are either unavailable or do not agree on the potential impact of this missense change. The variant allele was found at a frequency of 9e-05 in 1548088 control chromosomes, predominantly at a frequency of 0.0011 within the South Asian subpopulation in the gnomAD database, including 4 homozygotes. The observed variant frequency within South Asian control individuals in the gnomAD database exceeds the estimated maximal expected allele frequency for disease-causing variants in KAT6A. To our knowledge, no occurrence of c.4985C>T in individuals affected with KAT6A-related conditions and no experimental evidence demonstrating its impact on protein function have been reported. ClinVar contains an entry for this variant (Variation ID: 2085889). Based on the evidence outlined above, the variant was classified as likely benign.

Labcorp Genetics (formerly Invitae), Labcorp
Classification: Benign. Last evaluated: 2026-01-03. Review status: criteria provided, single submitter. Criteria: Invitae Variant Classification Sherloc (09022015). Collection method: clinical testing. Allele origin: germline.

PreventionGenetics, part of Exact Sciences
Classification: Likely benign for KAT6A-related condition. Last evaluated: 2024-04-18. Review status: no assertion criteria provided. Collection method: clinical testing. Allele origin: germline. Not counted in ClinVar's aggregate classification.
Comment: This variant is classified as likely benign based on ACMG/AMP sequence variant interpretation guidelines (Richards et al. 2015 PMID: 25741868, with internal and published modifications).

NM_006766.5(KAT6A):c.4985C>T (p.Pro1662Leu)

Gene: KAT6A (lysine acetyltransferase 6A; minus strand). Cytogenetic location: 8p11.21.
Variant type: single nucleotide variant.
Coding change: c.4985C>T on transcript NM_006766.5 (MANE Select); coding-DNA position 4985, C replaced by T.
Protein change: p.Pro1662Leu; replaces proline 1662 with leucine.
Molecular consequence: missense variant.
Genome position (GRCh38, 1-based): chr8:41,933,235, G>A on the plus strand (C>T on the coding strand, the complement: KAT6A is on the minus strand). VCF-style: chr8-41933235-G-A. GRCh37 (hg19) VCF-style: chr8-41790753-G-A.
Other names: c.4985C>T (NM_006766.4); short protein forms P1662L.
Identifiers: ClinVar variation 2085889 (VCV002085889.6), dbSNP rs575256565, ClinGen allele CA4729387.
Genomic context (GRCh38, chr8:41,933,235, plus strand): 5'-TGCTGTTGCGGCTGCTGCTGGGGTGGTGGAGGCTGTGGTGCTGGTTGTGGTTGTGGCGGC[G>A]GCGGCTGTGGCTGCTGTGGAGGCGGTGGTGGCGGCTGCTGCTGCTGGTTACTGGGAGGCC-3'
Protein context (NP_006757.2, residues 1652-1672): PPPPPQQPQP[Pro1662Leu]PPQPQPAPQP